The following is an entry in ClinVar:

NM_000059.4(BRCA2):c.7876T>C (p.Trp2626Arg)

Gene: BRCA2 (BRCA2 DNA repair associated; plus strand). Cytogenetic location: 13q13.1.
Variant type: single nucleotide variant.
Coding change: c.7876T>C on transcript NM_000059.4 (MANE Select); coding-DNA position 7876, T replaced by C.
Protein change: p.Trp2626Arg; replaces tryptophan 2626 with arginine.
Molecular consequence: missense variant.
Genome position (GRCh38, 1-based): chr13:32,362,593, T>C. VCF-style: chr13-32362593-T-C. GRCh37 (hg19) VCF-style: chr13-32936730-T-C.
Other names: short protein forms W2626R.
Identifiers: ClinVar variation 429208 (VCV000429208.15), dbSNP rs1060502459, ClinGen allele CA387747100.

ClinVar aggregate classification (germline): Pathogenic/Likely pathogenic. Review status: criteria provided, multiple submitters, no conflicts (2 of 4 stars). 3 submissions from 3 submitters: Pathogenic (1); Likely pathogenic (2). Last evaluated 2025-07-30.

Conditions:
Hereditary breast ovarian cancer syndrome. Also called: Hereditary breast and/or ovarian cancer syndrome; Hereditary breast and ovarian cancer syndrome (HBOC); Breast and ovarian cancer; Hereditary breast and ovarian cancer syndrome; BRCA1- and BRCA2-Associated Hereditary Breast and Ovarian Cancer; Hereditary breast and ovarian cancer. Identifiers: Orphanet 145, MedGen C0677776, MeSH D061325, MONDO:0003582. Disease mechanism: loss of function.
Hereditary cancer-predisposing syndrome. Also called: Hereditary Cancer Syndrome; Neoplastic Syndromes, Hereditary; Hereditary neoplastic syndrome; Tumor predisposition. Identifiers: Orphanet 140162, MedGen C0027672, MeSH D009386, MONDO:0015356.

Submissions (3):

Labcorp Genetics (formerly Invitae), Labcorp
Classification: Likely pathogenic for Hereditary breast ovarian cancer syndrome. Last evaluated: 2025-07-30. Review status: criteria provided, single submitter. Criteria: Invitae Variant Classification Sherloc (09022015). Collection method: clinical testing. Allele origin: germline.
Comment: This sequence change replaces tryptophan, which is neutral and slightly polar, with arginine, which is basic and polar, at codon 2626 of the BRCA2 protein (p.Trp2626Arg). This variant is not present in population databases (gnomAD no frequency). This missense change has been observed in individual(s) with breast cancer (PMID: 17100994, 34645131). This variant is also known as 8104T>C. ClinVar contains an entry for this variant (Variation ID: 429208). Invitae Evidence Modeling incorporating data from in vitro experimental studies (PMID: 33609447) indicates that this missense variant is expected to disrupt BRCA2 function with a positive predictive value of 95%. Experimental studies have shown that this missense change affects BRCA2 function (PMID: 29884841). This variant disrupts the p.Trp2626 amino acid residue in BRCA2. Other variant(s) that disrupt this residue have been determined to be pathogenic (PMID: 16115142, 20104584, 21138478, 21719596, 25085752). This suggests that this residue is clinically significant, and that variants that disrupt this residue are likely to be disease-causing. In summary, the currently available evidence indicates that the variant is pathogenic, but additional data are needed to prove that conclusively. Therefore, this variant has been classified as Likely Pathogenic.

Ambry Genetics
Classification: Pathogenic for Hereditary cancer-predisposing syndrome. Last evaluated: 2025-06-24. Review status: criteria provided, single submitter. Criteria: Ambry Variant Classification Scheme 2023. Collection method: clinical testing. Allele origin: germline.
Comment: The p.W2626R pathogenic mutation (also known as c.7876T>C), located in coding exon 16 of the BRCA2 gene, results from a T to C substitution at nucleotide position 7876. The tryptophan at codon 2626 is replaced by arginine, an amino acid with dissimilar properties. This alteration has been reported in two Korean individuals diagnosed with sporadic breast cancer and was not detected in 167 controls (Han SH et al. Clin. Genet. 2006 Dec; 70(6):496-501). A close-match alteration at this codon, p.W2626C, has been reported in individuals with hereditary breast and ovarian cancer syndrome and Fanconi Anemia and was found deleterious in numerous functional assays; however one study found the close-match variant to be hypomorphic (Borg A et al. Hum. Mutat. 2010 Mar;31:E1200-40; Konecny M et al. Breast Cancer Res.Treat. 2011 Feb;126:119-30; Wagner JE et al. Blood. 2004 Apr;103:3226-9; Guidugli L et al. Am. J. Hum. Genet. 2018 Jan; Pruss D et al. Breast Cancer Res. Treat., 2014 Aug;147:119-32). This alteration is deleterious in a homology directed repair assay (Hart SN et al. Genet. Med. 2019 01;21:71-80). Based on internal structural analysis, this variant is anticipated to result in a significant decrease in structural stability (Yang H et al. Science. 2002 Sep;297:1837-48). Two saturation genome editing-based studies, including a haploid cell-survival assay and a humanized mouse embryonic stem cell line assay of drug response and survival, demonstrate that this nucleotide substitution is non-functional (Huang H et al. Nature. 2025 Feb;638(8050):528-537; Sahu S et al. Nature. 2025 Feb;638(8050):538-545). This amino acid position is highly conserved in available vertebrate species. In addition, this alteration is predicted to be deleterious by in silico analysis. This variant is considered to be rare based on population cohorts in the Genome Aggregation Database (gnomAD). Based on the majority of available evidence to date, this alteration is interpreted as a disease-causing mutation.

GeneDx
Classification: Likely pathogenic. Last evaluated: 2014-11-30. Review status: criteria provided, single submitter. Criteria: GeneDx Variant Classification (06012015). Collection method: clinical testing. Allele origin: germline. Affected: yes.
Comment: This variant is denoted BRCA2 c.7876T>C at the cDNA level, p.Trp2626Arg (W2626R) at the protein level, and results in the change of a Tryptophan to an Arginine (TGG>CGG) in exon 17. This variant was observed in at least one individual with breast cancer (Kim 2006). BRCA2 Trp2626Arg was not observed in approximately 6,500 individuals of European and African American ancestry in an external variant database, indicating it is not a common benign variant in these populations. Since Tryptophan and Arginine differ in polarity, charge, size or other properties, this is considered a non-conservative amino acid substitution. BRCA2 Trp2626Arg alters a position that is conserved across species and is located in the DNA-binding domain (Borg 2010). In silico analyses predict that this variant is probably damaging to protein structure and function. Another non-conservative missense substitution at this position, Trp2626Cys, has been observed in at least three women with a history of breast cancer and one child with Fanconi Anemia, was strongly predicted by Lindor et al. (2012) to be pathogenic based on tumor pathology, and has been showed to have impaired homologous recombination (Barber 2005, Borg 2010, Biswas 2011, Capanu 2011, Meyer 2012, Guidugli 2013). However, Biswas et al. (2011) found Trp2626Cys was able to rescue embryonic stem cell lethality although the rescued cells had reduced viability and Pruss et al. (2014) suggested that Trp2626Cys may be a lower penetrance or hypomorphic allele based on a clinical history weighting algorithm. Based on currently available information, we consider BRCA2 Trp2626Arg to be an expected pathogenic variant.

Literature cited by the submitters: PubMed 17100994 (cited by Labcorp Genetics (formerly Invitae), Labcorp and Ambry Genetics); PubMed 34645131 (cited by Labcorp Genetics (formerly Invitae), Labcorp); PubMed 33609447 (cited by Labcorp Genetics (formerly Invitae), Labcorp); PubMed 29884841 (cited by Labcorp Genetics (formerly Invitae), Labcorp and Ambry Genetics); PubMed 16115142 (cited by Labcorp Genetics (formerly Invitae), Labcorp); PubMed 20104584 (cited by Labcorp Genetics (formerly Invitae), Labcorp); PubMed 21138478 (cited by Labcorp Genetics (formerly Invitae), Labcorp); PubMed 21719596 (cited by Labcorp Genetics (formerly Invitae), Labcorp); PubMed 25085752 (cited by Labcorp Genetics (formerly Invitae), Labcorp and Ambry Genetics); PubMed 12228710 (cited by Ambry Genetics); PubMed 39779848 (cited by Ambry Genetics); PubMed 39779857 (cited by Ambry Genetics).